The following is an entry in ClinVar:

NM_001042492.3(NF1):c.2699C>G (p.Ser900Cys)

Gene: NF1 (neurofibromin 1; plus strand). Cytogenetic location: 17q11.2.
Variant type: single nucleotide variant.
Coding change: c.2699C>G on transcript NM_001042492.3 (MANE Select); coding-DNA position 2699, C replaced by G.
Protein change: p.Ser900Cys; replaces serine 900 with cysteine.
Molecular consequence: missense variant.
Genome position (GRCh38, 1-based): chr17:31,229,314, C>G. VCF-style: chr17-31229314-C-G. GRCh37 (hg19) VCF-style: chr17-29556332-C-G.
Other names: c.2699C>G, p.Ser900Cys (NM_000267.4); short protein forms S900C.
Identifiers: ClinVar variation 4021419 (VCV004021419.1).

ClinVar aggregate classification (germline): Uncertain significance (1 of 4 stars; one submission).

Conditions:
Cardiovascular phenotype. Identifiers: MedGen CN230736.
Hereditary cancer-predisposing syndrome. Also called: Tumor predisposition; Hereditary neoplastic syndrome; Neoplastic Syndromes, Hereditary; Hereditary Cancer Syndrome. Identifiers: Orphanet 140162, MedGen C0027672, MeSH D009386, MONDO:0015356.

Submission:

Ambry Genetics
Classification: Uncertain significance for Cardiovascular phenotype; Hereditary cancer-predisposing syndrome. Last evaluated: 2025-04-12. Review status: criteria provided, single submitter. Criteria: Ambry Variant Classification Scheme 2023. Collection method: clinical testing. Allele origin: germline.
Comment: The p.S900C variant (also known as c.2699C>G), located in coding exon 21 of the NF1 gene, results from a C to G substitution at nucleotide position 2699. The serine at codon 900 is replaced by cysteine, an amino acid with dissimilar properties. This amino acid position is conserved. In addition, the in silico prediction for this alteration is inconclusive. Based on the available evidence, the clinical significance of this variant remains unclear.